The following is an entry in ClinVar:

NM_153682.3(PIGP):c.83T>G (p.Ile28Arg)

Gene: PIGP (phosphatidylinositol glycan anchor biosynthesis class P; minus strand). Cytogenetic location: 21q22.13.
Variant type: single nucleotide variant.
Coding change: c.83T>G on transcript NM_153682.3 (MANE Select); coding-DNA position 83, T replaced by G.
Protein change: p.Ile28Arg; replaces isoleucine 28 with arginine.
Molecular consequence: missense variant.
Genome position (GRCh38, 1-based): chr21:37,069,624, A>C on the plus strand (T>G on the coding strand, the complement: PIGP is on the minus strand). VCF-style: chr21-37069624-A-C. GRCh37 (hg19) VCF-style: chr21-38441924-A-C.
Other names: c.83T>G, p.Ile28Arg (NM_001320480.2); c.5T>G, p.Val2Gly (NM_016430.4); c.155T>G, p.Ile52Arg (NM_153681.2); short protein forms I28R, V2G, I52R.
Identifiers: ClinVar variation 1416050 (VCV001416050.7), dbSNP rs368093171, ClinGen allele CA10021112.

ClinVar aggregate classification (germline): Uncertain significance. Review status: criteria provided, multiple submitters, no conflicts (2 of 4 stars). 2 submissions from 2 submitters: Uncertain significance (2). Last evaluated 2025-09-26.

Conditions:
Inborn genetic diseases. Identifiers: MedGen C0950123, MeSH D030342.

Allele frequency attached by ClinVar (database versions not stated): gnomAD exomes 0.00002; TOPMed 0.00002; gnomAD 0.00004 and 0.00005; ESP Exome Variant Server 0.00008; ExAC 0.00004.

Submissions (2):

Ambry Genetics
Classification: Uncertain significance for Inborn genetic diseases. Last evaluated: 2025-09-26. Review status: criteria provided, single submitter. Criteria: Ambry Variant Classification Scheme 2023. Collection method: clinical testing. Allele origin: germline.

Labcorp Genetics (formerly Invitae), Labcorp
Classification: Uncertain significance. Last evaluated: 2022-08-15. Review status: criteria provided, single submitter. Criteria: Invitae Variant Classification Sherloc (09022015). Collection method: clinical testing. Allele origin: germline.
Comment: This sequence change replaces isoleucine, which is neutral and non-polar, with arginine, which is basic and polar, at codon 52 of the PIGP protein (p.Ile52Arg). The frequency data for this variant in the population databases is considered unreliable, as metrics indicate poor data quality at this position in the gnomAD database. This variant has not been reported in the literature in individuals affected with PIGP-related conditions. ClinVar contains an entry for this variant (Variation ID: 1416050). Algorithms developed to predict the effect of missense changes on protein structure and function (SIFT, PolyPhen-2, Align-GVGD) all suggest that this variant is likely to be disruptive. In summary, the available evidence is currently insufficient to determine the role of this variant in disease. Therefore, it has been classified as a Variant of Uncertain Significance.